The following is an entry in ClinVar:

ClinVar aggregate classification (germline): Likely benign (1 of 4 stars; one submission).

Allele frequency attached by ClinVar (database versions not stated): gnomAD exomes 0.00005; ExAC 0.00022; gnomAD 0.00041; TOPMed 0.00046; ESP Exome Variant Server 0.00104.
gnomAD v4.1: 99 of 1,203,978 alleles (0.0082%); highest among the groups gnomAD compares: African/African-American, 0.15%; no homozygotes.

Submission:

CeGaT Center for Human Genetics Tuebingen
Classification: Likely benign. Last evaluated: 2022-09-01. Review status: criteria provided, single submitter. Criteria: CeGaT Center For Human Genetics Tuebingen Variant Classification Criteria Version 2. Collection method: clinical testing. Allele origin: germline. Affected: yes. Observed: 1 variant allele.
Comment: PRICKLE3: BP4, BP7

NM_006150.5(PRICKLE3):c.717C>T (p.Cys239=)

Gene: PRICKLE3 (prickle planar cell polarity protein 3; minus strand). Cytogenetic location: Xp11.23.
Variant type: single nucleotide variant.
Coding change: c.717C>T on transcript NM_006150.5 (MANE Select); coding-DNA position 717, C replaced by T.
Protein change: p.Cys239=; no amino-acid change (cysteine 239 retained).
Molecular consequence: synonymous variant.
Genome position (GRCh38, 1-based): chrX:49,178,323, G>A on the plus strand (C>T on the coding strand, the complement: PRICKLE3 is on the minus strand). VCF-style: chrX-49178323-G-A. GRCh37 (hg19) VCF-style: chrX-49034672-G-A.
Other names: c.513C>T, p.Cys171= (NM_001307979.2).
Identifiers: ClinVar variation 2660516 (VCV002660516.24), dbSNP rs145659823, ClinGen allele CA10409541.